The following is an entry in ClinVar:

NM_000719.7(CACNA1C):c.1163T>C (p.Leu388Pro)

Gene: CACNA1C (calcium voltage-gated channel subunit alpha1 C; plus strand). Cytogenetic location: 12p13.33.
Variant type: single nucleotide variant.
Coding change: c.1163T>C on transcript NM_000719.7 (MANE Select); coding-DNA position 1163, T replaced by C.
Protein change: p.Leu388Pro; replaces leucine 388 with proline.
Molecular consequence: missense variant. On other transcripts: intron variant (4).
Genome position (GRCh38, 1-based): chr12:2,504,891, T>C. VCF-style: chr12-2504891-T-C. GRCh37 (hg19) VCF-style: chr12-2614057-T-C.
Other names: c.1163T>C, p.Leu388Pro (NM_001129827.2, NM_001129829.2, NM_001129830.3 and 14 more transcripts); c.1154T>C, p.Leu385Pro (NM_001129844.2); c.1217+352T>C (NM_001167624.3, NM_001167623.2, NM_001167625.2 and 1 more transcripts); short protein forms L385P, L388P.
Identifiers: ClinVar variation 3899015 (VCV003899015.1).

ClinVar aggregate classification (germline): Uncertain significance (1 of 4 stars; one submission).

Submission:

GeneDx
Classification: Uncertain significance. Last evaluated: 2024-11-08. Review status: criteria provided, single submitter. Criteria: GeneDx Variant Classification Process June 2021. Collection method: clinical testing. Allele origin: germline. Affected: yes.
Comment: Not observed at significant frequency in large population cohorts (gnomAD); In silico analysis supports that this missense variant has a deleterious effect on protein structure/function; Has not been previously published as pathogenic or benign to our knowledge